The following is an entry in ClinVar:

NM_000660.7(TGFB1):c.683G>A (p.Arg228Lys)

Gene: TGFB1 (transforming growth factor beta 1; minus strand). Cytogenetic location: 19q13.2.
Variant type: single nucleotide variant.
Coding change: c.683G>A on transcript NM_000660.7 (MANE Select); coding-DNA position 683, G replaced by A.
Protein change: p.Arg228Lys; replaces arginine 228 with lysine.
Molecular consequence: missense variant.
Genome position (GRCh38, 1-based): chr19:41,342,199, C>T on the plus strand (G>A on the coding strand, the complement: TGFB1 is on the minus strand). VCF-style: chr19-41342199-C-T. GRCh37 (hg19) VCF-style: chr19-41848104-C-T.
Other names: short protein forms R228K.
Identifiers: ClinVar variation 2996320 (VCV002996320.3), dbSNP rs774585135, ClinGen allele CA9460031.

ClinVar aggregate classification (germline): Uncertain significance (1 of 4 stars; one submission).

Allele frequency attached by ClinVar (database versions not stated): gnomAD 0.00001; gnomAD exomes 0.00003; ExAC 0.00005; 1000 Genomes Project 30x 0.00016.
gnomAD v4.1: 40 of 1,608,548 alleles (0.0025%); highest among the groups gnomAD compares: South Asian, 0.04%; no homozygotes.

Submission:

Labcorp Genetics (formerly Invitae), Labcorp
Classification: Uncertain significance. Last evaluated: 2024-08-30. Review status: criteria provided, single submitter. Criteria: Invitae Variant Classification Sherloc (09022015). Collection method: clinical testing. Allele origin: germline.
Comment: This sequence change replaces arginine, which is basic and polar, with lysine, which is basic and polar, at codon 228 of the TGFB1 protein (p.Arg228Lys). This variant is present in population databases (rs774585135, gnomAD 0.02%). This variant has not been reported in the literature in individuals affected with TGFB1-related conditions. An algorithm developed to predict the effect of missense changes on protein structure and function outputs the following: PolyPhen-2: "Benign". The lysine amino acid residue is found in multiple mammalian species, which suggests that this missense change does not adversely affect protein function. In summary, the available evidence is currently insufficient to determine the role of this variant in disease. Therefore, it has been classified as a Variant of Uncertain Significance.